The following is an entry in ClinVar:

ClinVar aggregate classification (germline): Pathogenic (1 of 4 stars; one submission).

Submission:

Labcorp Genetics (formerly Invitae), Labcorp
Classification: Pathogenic. Last evaluated: 2022-11-06. Review status: criteria provided, single submitter. Criteria: Invitae Variant Classification Sherloc (09022015). Collection method: clinical testing. Allele origin: germline.
Comment: This sequence change creates a premature translational stop signal (p.Gln568Serfs*28) in the HPS3 gene. It is expected to result in an absent or disrupted protein product. Loss-of-function variants in HPS3 are known to be pathogenic (PMID: 11590544). For these reasons, this variant has been classified as Pathogenic. This variant has not been reported in the literature in individuals affected with HPS3-related conditions. This variant is not present in population databases (gnomAD no frequency).

Literature cited by the submitters: PubMed 11590544.

NM_032383.5(HPS3):c.1702del (p.Gln568fs)

Gene: HPS3 (HPS3 biogenesis of lysosomal organelles complex 2 subunit 1; plus strand). Cytogenetic location: 3q24.
Variant type: Deletion.
Coding change: c.1702del on transcript NM_032383.5 (MANE Select); coding-DNA position 1702, one base deleted (C; older notation c.1702delC).
Protein change: p.Gln568fs; shifts the reading frame from glutamine 568.
Molecular consequence: frameshift variant.
Genome position (GRCh38, 1-based): chr3:149,158,676, C deleted; the last of 3 consecutive C bases (chr3:149,158,674-149,158,676); deleting any one gives the same sequence. VCF-style (leftmost placement, unchanged base first): chr3-149158673-TC-T. GRCh37 (hg19) VCF-style: chr3-148876460-TC-T.
Other names: c.1207del, p.Gln403fs (NM_001308258.2); short protein forms Q403fs, Q568fs.
Identifiers: ClinVar variation 2812284 (VCV002812284.3), dbSNP rs2473109743, ClinGen allele CA2739277870.
Genomic context (GRCh38, chr3:149,158,673, plus strand): 5'-CCCCGTCTTTAAAAAAGTGACAAATTTGAGGTTTTTCATTTCCTTCCCTTTAGGCTTGAC[TC>T]CCAGCATTCTCATCTCACCTTGCCATACTATAAGATGTCTGGTTTGTCTATGGCTGAAGT-3'